The following is an entry in ClinVar:

NM_000883.4(IMPDH1):c.1067_1068del (p.Ile356fs)

Gene: IMPDH1 (inosine monophosphate dehydrogenase 1; minus strand). Cytogenetic location: 7q32.1.
Variant type: Deletion.
Coding change: c.1067_1068del on transcript NM_000883.4 (MANE Select); coding-DNA positions 1067 to 1068, 2 bases deleted (TA; older notation c.1067_1068delTA).
Protein change: p.Ile356fs; shifts the reading frame from isoleucine 356.
Molecular consequence: frameshift variant.
Genome position (GRCh38, 1-based): chr7:128,398,420-128,398,421, TA deleted on the plus strand (TA on the coding strand, the reverse complement: IMPDH1 is on the minus strand); deleting any 2 consecutive bases within chr7:128,398,420-128,398,422 gives the same sequence; the c. name uses the placement nearest the transcript's 3' end. VCF-style (leftmost placement, unchanged base first): chr7-128398419-CTA-C. GRCh37 (hg19) VCF-style: chr7-128038473-CTA-C.
Other names: c.1037_1038del, p.Ile346fs (NM_001102605.2); c.812_813del, p.Ile271fs (NM_001142573.2); c.797_798del, p.Ile266fs (NM_001142574.2); c.737_738del, p.Ile246fs (NM_001142575.2); c.968_969del, p.Ile323fs (NM_001142576.2); c.860_861del, p.Ile287fs (NM_001304521.2); c.959_960del, p.Ile320fs (NM_183243.3); short protein forms I287fs, I266fs, I320fs, I346fs, I356fs, I271fs, I323fs, I246fs.
Identifiers: ClinVar variation 2023892 (VCV002023892.4), dbSNP rs2535751225, ClinGen allele CA2580076514.

ClinVar aggregate classification (germline): Pathogenic (1 of 4 stars; one submission).

Submission:

Labcorp Genetics (formerly Invitae), Labcorp
Classification: Pathogenic. Last evaluated: 2023-07-21. Review status: criteria provided, single submitter. Criteria: Invitae Variant Classification Sherloc (09022015). Collection method: clinical testing. Allele origin: germline.
Comment: For these reasons, this variant has been classified as Pathogenic. ClinVar contains an entry for this variant (Variation ID: 2023892). This variant has not been reported in the literature in individuals affected with IMPDH1-related conditions. This variant is not present in population databases (gnomAD no frequency). This sequence change creates a premature translational stop signal (p.Ile356Serfs*44) in the IMPDH1 gene. It is expected to result in an absent or disrupted protein product. Loss-of-function variants in IMPDH1 are known to be pathogenic (PMID: 14981049, 33090715).

Literature cited by the submitters: PubMed 14981049; PubMed 33090715.